The following is an entry in ClinVar:

NM_001113491.2(SEPTIN9):c.1691G>A (p.Arg564His)

Gene: SEPTIN9 (septin 9; plus strand). Cytogenetic location: 17q25.3.
Variant type: single nucleotide variant.
Coding change: c.1691G>A on transcript NM_001113491.2 (MANE Select); coding-DNA position 1691, G replaced by A.
Protein change: p.Arg564His; replaces arginine 564 with histidine.
Molecular consequence: missense variant.
Genome position (GRCh38, 1-based): chr17:77,498,588, G>A. VCF-style: chr17-77498588-G-A. GRCh37 (hg19) VCF-style: chr17-75494670-G-A.
Other names: c.1199G>A, p.Arg400His (NM_001113492.2, NM_001113494.1); c.1670G>A, p.Arg557His (NM_001113493.2); c.938G>A, p.Arg313His (NM_001113495.2, NM_001113496.2, NM_001293697.2 and 1 more transcripts); c.1634G>A, p.Arg545His (NM_001293695.2); c.1019G>A, p.Arg340His (NM_001293696.2); c.1637G>A, p.Arg546His (NM_006640.5); c.1637G>A (NM_006640.4); short protein forms R545H, R313H, R340H, R400H, R557H, R546H, R564H.
Identifiers: ClinVar variation 2920298 (VCV002920298.4), dbSNP rs374661361, ClinGen allele CA8793911.

ClinVar aggregate classification (germline): Uncertain significance. Review status: criteria provided, multiple submitters, no conflicts (2 of 4 stars). 2 submissions from 2 submitters: Uncertain significance (2). Last evaluated 2025-12-03.

Conditions:
Inborn genetic diseases. Identifiers: MedGen C0950123, MeSH D030342.

Allele frequency attached by ClinVar (database versions not stated): gnomAD 0.00005; TOPMed 0.00002; gnomAD exomes 0.00004; ESP Exome Variant Server 0.00008; ExAC 0.00011.
gnomAD v4.1: 70 of 1,607,542 alleles (0.0044%); highest among the groups gnomAD compares: Non-Finnish European, 0.0053%; no homozygotes.

Submissions (2):

Labcorp Genetics (formerly Invitae), Labcorp
Classification: Uncertain significance. Last evaluated: 2025-12-03. Review status: criteria provided, single submitter. Criteria: Invitae Variant Classification Sherloc (09022015). Collection method: clinical testing. Allele origin: germline.
Comment: This sequence change replaces arginine, which is basic and polar, with histidine, which is basic and polar, at codon 546 of the SEPT9 protein (p.Arg546His). This variant is present in population databases (rs374661361, gnomAD 0.01%). This variant has not been reported in the literature in individuals affected with SEPT9-related conditions. ClinVar contains an entry for this variant (Variation ID: 2920298). Invitae Evidence Modeling of protein sequence and biophysical properties (such as structural, functional, and spatial information, amino acid conservation, physicochemical variation, residue mobility, and thermodynamic stability) indicates that this missense variant is expected to disrupt SEPT9 protein function with a positive predictive value of 80%. In summary, the available evidence is currently insufficient to determine the role of this variant in disease. Therefore, it has been classified as a Variant of Uncertain Significance.

Ambry Genetics
Classification: Uncertain significance for Inborn genetic diseases. Last evaluated: 2022-07-27. Review status: criteria provided, single submitter. Criteria: Ambry Variant Classification Scheme 2023. Collection method: clinical testing. Allele origin: germline.